The following is an entry in ClinVar:

NM_000535.7(PMS2):c.81C>A (p.Cys27Ter)

Gene: PMS2 (PMS1 homolog 2, mismatch repair system component; minus strand). Cytogenetic location: 7p22.1.
Variant type: single nucleotide variant.
Coding change: c.81C>A on transcript NM_000535.7 (MANE Select); coding-DNA position 81, C replaced by A.
Protein change: p.Cys27Ter; replaces cysteine 27 with a stop codon.
Molecular consequence: nonsense. On other transcripts: 5 prime UTR variant (8), non-coding transcript variant (1), intron variant (3).
Genome position (GRCh38, 1-based): chr7:6,005,974, G>T on the plus strand (C>A on the coding strand, the complement: PMS2 is on the minus strand). VCF-style: chr7-6005974-G-T. GRCh37 (hg19) VCF-style: chr7-6045605-G-T.
Other names: c.-325C>A (NM_001018040.1, NM_001322003.2, NM_001322005.2 and 11 more transcripts); c.81C>A, p.Cys27Ter (NM_001322006.2, NM_001322014.2, NM_001406868.1 and 10 more transcripts); c.-135C>A (NM_001322007.2, NM_001406876.1, NM_001406883.1 and 4 more transcripts); c.-804C>A (NM_001322011.2, NM_001322012.2); c.-404C>A (NM_001322015.2, NM_001406875.1, NM_001406877.1 and 2 more transcripts); c.267C>A, p.Cys89Ter (NM_001406866.1); c.-351C>A (NM_001406880.1); c.-272C>A (NM_001406888.1, NM_001406889.1, NM_001406892.1 and 5 more transcripts); and 4 more; short protein forms C27*, C89*.
Identifiers: ClinVar variation 1762409 (VCV001762409.2), dbSNP rs2128845860, ClinGen allele CA366745095.
Genomic context (GRCh38, chr7:6,005,974, plus strand): 5'-CAGACTGTTTTCTACTAACTCCTTTACCGCAGTGCTTAGACTCAGTACCACCTGCCCAGA[G>T]CAAATCTGATGGACTGACTTCCGATCAATAGGTTTGATGGCCTTAGCAGGTTCTGTACTA-3'

ClinVar aggregate classification (germline): Pathogenic (1 of 4 stars; one submission).

Conditions:
Hereditary cancer-predisposing syndrome. Also called: Neoplastic Syndromes, Hereditary; Tumor predisposition; Hereditary Cancer Syndrome; Hereditary neoplastic syndrome. Identifiers: Orphanet 140162, MedGen C0027672, MeSH D009386, MONDO:0015356.

Submission:

Ambry Genetics
Classification: Pathogenic for Hereditary cancer-predisposing syndrome. Last evaluated: 2019-03-06. Review status: criteria provided, single submitter. Criteria: Ambry Variant Classification Scheme 2023. Collection method: clinical testing. Allele origin: germline.
Comment: The p.C27* pathogenic mutation (also known as c.81C>A), located in coding exon 2 of the PMS2 gene, results from a C to A substitution at nucleotide position 81. This changes the amino acid from a cysteine to a stop codon within coding exon 2. This alteration is expected to result in loss of function by premature protein truncation or nonsense-mediated mRNA decay. As such, this alteration is interpreted as a disease-causing mutation.